The following is an entry in ClinVar:

NM_001399.5(EDA):c.318_320delinsAAGCA (p.Gly107fs)

Gene: EDA (ectodysplasin A; plus strand). Cytogenetic location: Xq13.1.
Variant type: Indel.
Coding change: c.318_320delinsAAGCA on transcript NM_001399.5 (MANE Select); coding-DNA positions 318 to 320, TGG replaced by AAGCA.
Protein change: p.Gly107fs; shifts the reading frame from glycine 107.
Molecular consequence: frameshift variant.
Genome position (GRCh38, 1-based): chrX:69,616,626-69,616,628, TGG replaced by AAGCA. VCF-style: chrX-69616626-TGG-AAGCA. GRCh37 (hg19) VCF-style: chrX-68836470-TGG-AAGCA.
Other names: c.318_320delinsAAGCA, p.Gly107fs (NM_001005609.2, NM_001005610.4, NM_001005612.3 and 1 more transcripts); short protein forms G107fs.
Identifiers: ClinVar variation 3346640 (VCV003346640.2).

ClinVar aggregate classification (germline): Likely pathogenic (1 of 4 stars; one submission).

Conditions:
EDA-related disorder. Also called: EDA-related condition; EDA-related disorders.

Submission:

PreventionGenetics, part of Exact Sciences
Classification: Likely pathogenic for EDA-related condition. Last evaluated: 2024-12-03. Review status: criteria provided, single submitter. Criteria: ACMG Guidelines, 2015. Collection method: clinical testing. Allele origin: germline.
Comment: The EDA c.318_320delinsAAGCA variant is predicted to result in a frameshift and premature protein termination (p.Gly107Serfs*31). To our knowledge, this variant has not been reported in the literature or in a large population database, indicating this variant is rare. Frameshift variants in EDA are expected to be pathogenic. This variant is interpreted as likely pathogenic.